The following is an entry in ClinVar:

ClinVar aggregate classification (germline): Pathogenic. Review status: criteria provided, multiple submitters, no conflicts (2 of 4 stars). 3 submissions from 3 submitters: Pathogenic (2). 1 of the submissions does not count toward it. Last evaluated 2022-12-16.

Conditions:
Birt-Hogg-Dube syndrome. Also called: Birt Hogg Dubé syndrome. Identifiers: Orphanet 122, MedGen C0346010, MONDO:0800444.

Submissions (3):

GeneDx
Classification: Pathogenic. Last evaluated: 2022-12-16. Review status: criteria provided, single submitter. Criteria: GeneDx Variant Classification Process June 2021. Collection method: clinical testing. Allele origin: germline. Affected: yes.
Comment: Nonsense variant predicted to result in protein truncation or nonsense mediated decay in a gene for which loss of function is a known mechanism of disease; Not observed at significant frequency in large population cohorts (gnomAD); This variant is associated with the following publications: (PMID: 28031834)

Labcorp Genetics (formerly Invitae), Labcorp
Classification: Pathogenic for Birt-Hogg-Dube syndrome. Last evaluated: 2022-12-16. Review status: criteria provided, single submitter. Criteria: Invitae Variant Classification Sherloc (09022015). Collection method: clinical testing. Allele origin: germline.
Comment: This sequence change creates a premature translational stop signal (p.Gln201*) in the FLCN gene. It is expected to result in an absent or disrupted protein product. Loss-of-function variants in FLCN are known to be pathogenic (PMID: 15852235). This variant is not present in population databases (gnomAD no frequency). This premature translational stop signal has been observed in individual(s) with FLCN-related conditions (PMID: 28031834). For these reasons, this variant has been classified as Pathogenic.

Division of Respiratory Medicine of Juntendo University, Juntendo University Faculty of Medicine and Graduate School of Medicine
Classification: Pathogenic for Birt-Hogg-Dube syndrome 1. Last evaluated: 2023-07-01. Review status: no assertion criteria provided. Collection method: clinical testing. Allele origin: germline. Affected: yes. Not counted in ClinVar's aggregate classification.

Literature cited by the submitters: PubMed 15852235 (cited by Labcorp Genetics (formerly Invitae), Labcorp); PubMed 28031834 (cited by Labcorp Genetics (formerly Invitae), Labcorp).

NM_144997.7(FLCN):c.601C>T (p.Gln201Ter)

Gene: FLCN (folliculin; minus strand). Cytogenetic location: 17p11.2.
Variant type: single nucleotide variant.
Coding change: c.601C>T on transcript NM_144997.7 (MANE Select); coding-DNA position 601, C replaced by T.
Protein change: p.Gln201Ter; replaces glutamine 201 with a stop codon.
Molecular consequence: nonsense.
Genome position (GRCh38, 1-based): chr17:17,223,939, G>A on the plus strand (C>T on the coding strand, the complement: FLCN is on the minus strand). VCF-style: chr17-17223939-G-A. GRCh37 (hg19) VCF-style: chr17-17127253-G-A.
Other names: c.655C>T, p.Gln219Ter (NM_001353229.2); c.601C>T, p.Gln201Ter (NM_001353230.2, NM_001353231.2, NM_144606.7); short protein forms Q201*, Q219*.
Identifiers: ClinVar variation 2505673 (VCV002505673.5), dbSNP rs2144971536, ClinGen allele CA398534203.
Genomic context (GRCh38, chr17:17,223,939, plus strand): 5'-TGCAGGGCCCCCTGCCGCCCCGGCACCTCATCTCTGAATTCACCTTGAGCGCCTTGCCCT[G>A]GAGCTCATCGATGATTCCCCGGACCTTCCCCAGCAGGAAGGGCCAGGAGTTGATGAGGTA-3'